The following is an entry in ClinVar:

ClinVar aggregate classification (germline): Uncertain significance (1 of 4 stars; one submission).

Conditions:
Cardiovascular phenotype. Identifiers: MedGen CN230736.

gnomAD v4.1: 1 of 1,614,070 alleles (0.000062%); highest among the groups gnomAD compares: African/African-American, 0.0013%; no homozygotes.

Submission:

Ambry Genetics
Classification: Uncertain significance for Cardiovascular phenotype. Last evaluated: 2025-11-04. Review status: criteria provided, single submitter. Criteria: Ambry Variant Classification Scheme 2023. Collection method: clinical testing. Allele origin: germline.
Comment: The p.I586F variant (also known as c.1756A>T), located in coding exon 15 of the ACTN2 gene, results from an A to T substitution at nucleotide position 1756. The isoleucine at codon 586 is replaced by phenylalanine, an amino acid with highly similar properties. This amino acid position is conserved. In addition, this alteration is predicted to be tolerated by in silico analysis. Based on the available evidence, the clinical significance of this variant remains unclear.

NM_001103.4(ACTN2):c.1756A>T (p.Ile586Phe)

Gene: ACTN2 (actinin alpha 2; plus strand). Cytogenetic location: 1q43.
Variant type: single nucleotide variant.
Coding change: c.1756A>T on transcript NM_001103.4 (MANE Select); coding-DNA position 1756, A replaced by T.
Protein change: p.Ile586Phe; replaces isoleucine 586 with phenylalanine.
Molecular consequence: missense variant. On other transcripts: non-coding transcript variant (1).
Genome position (GRCh38, 1-based): chr1:236,751,569, A>T. VCF-style: chr1-236751569-A-T. GRCh37 (hg19) VCF-style: chr1-236914869-A-T.
Other names: c.1756A>T, p.Ile586Phe (NM_001278343.2); short protein forms I586F.
Identifiers: ClinVar variation 4613364 (VCV004613364.1).
Genomic context (GRCh38, chr1:236,751,569, plus strand): 5'-CCCGAGGCGGACGGAGAGCGGCAGTCCATCATGGCCATCCAGAACGAGGTGGAGAAGGTG[A>T]TTCAGAGCTACAACATCAGAATCAGCTCAAGCAACCCGTACAGCACTGTCACCATGGATG-3'
Protein context (NP_001094.1, residues 576-596): MAIQNEVEKV[Ile586Phe]QSYNIRISSS